The following is an entry in ClinVar:

ClinVar aggregate classification (germline): Uncertain significance (1 of 4 stars; one submission).

Submission:

GeneDx
Classification: Uncertain significance. Last evaluated: 2026-02-13. Review status: criteria provided, single submitter. Criteria: GeneDx Variant Classification Process June 2021. Collection method: clinical testing. Allele origin: germline.
Comment: Not observed at significant frequency in large population cohorts (gnomAD); In silico analysis supports that this missense variant has a deleterious effect on protein structure/function; Has not been previously published as pathogenic or benign to our knowledge

NM_001287491.2(TET3):c.2621A>G (p.Lys874Arg)

Gene: TET3 (tet methylcytosine dioxygenase 3; plus strand). Cytogenetic location: 2p13.1.
Variant type: single nucleotide variant.
Coding change: c.2621A>G on transcript NM_001287491.2 (MANE Select); coding-DNA position 2621, A replaced by G.
Protein change: p.Lys874Arg; replaces lysine 874 with arginine.
Molecular consequence: missense variant.
Genome position (GRCh38, 1-based): chr2:74,080,533, A>G. VCF-style: chr2-74080533-A-G. GRCh37 (hg19) VCF-style: chr2-74307660-A-G.
Other names: c.2342A>G, p.Lys781Arg (NM_001366022.1); short protein forms K781R, K874R.
Identifiers: ClinVar variation 4976485 (VCV004976485.1).